The following is an entry in ClinVar:

ClinVar aggregate classification (germline): Uncertain significance (1 of 4 stars; one submission).

Conditions:
Dilated cardiomyopathy 1D. Identifiers: Orphanet 154, Orphanet 54260, MedGen C1832243, MONDO:0011095, OMIM 601494.
Hypertrophic cardiomyopathy 2. Also called: TNNT2-Related Familial Hypertrophic Cardiomyopathy. Identifiers: MedGen C1861864, MONDO:0007266, OMIM 115195.
Cardiomyopathy, familial restrictive, 3. Identifiers: Orphanet 75249, MedGen C2676271, MONDO:0012900, OMIM 612422.

Allele frequency attached by ClinVar (database versions not stated): ExAC 0.00001; gnomAD exomes 0.00001; ESP Exome Variant Server 0.00008.
gnomAD v4.1: 2 of 1,613,234 alleles (0.00012%); highest among the groups gnomAD compares: Middle Eastern, 0.033%; no homozygotes.

Submission:

Labcorp Genetics (formerly Invitae), Labcorp
Classification: Uncertain significance for Cardiomyopathy, familial restrictive, 3; Hypertrophic cardiomyopathy 2; Dilated cardiomyopathy 1D. Last evaluated: 2024-11-06. Review status: criteria provided, single submitter. Criteria: Invitae Variant Classification Sherloc (09022015). Collection method: clinical testing. Allele origin: germline.
Comment: This sequence change replaces glutamic acid, which is acidic and polar, with aspartic acid, which is acidic and polar, at codon 136 of the TNNT2 protein (p.Glu136Asp). This variant is present in population databases (rs141754300, gnomAD no frequency). This variant has not been reported in the literature in individuals affected with TNNT2-related conditions. ClinVar contains an entry for this variant (Variation ID: 404396). Invitae Evidence Modeling of protein sequence and biophysical properties (such as structural, functional, and spatial information, amino acid conservation, physicochemical variation, residue mobility, and thermodynamic stability) indicates that this missense variant is not expected to disrupt TNNT2 protein function with a negative predictive value of 80%. In summary, the available evidence is currently insufficient to determine the role of this variant in disease. Therefore, it has been classified as a Variant of Uncertain Significance.

NM_001276345.2(TNNT2):c.438G>T (p.Glu146Asp)

Gene: TNNT2 (troponin T2, cardiac type; minus strand). Cytogenetic location: 1q32.1.
Variant type: single nucleotide variant.
Coding change: c.438G>T on transcript NM_001276345.2 (MANE Select); coding-DNA position 438, G replaced by T.
Protein change: p.Glu146Asp; replaces glutamic acid 146 with aspartic acid.
Molecular consequence: missense variant.
Genome position (GRCh38, 1-based): chr1:201,364,349, C>A on the plus strand (G>T on the coding strand, the complement: TNNT2 is on the minus strand). VCF-style: chr1-201364349-C-A. GRCh37 (hg19) VCF-style: chr1-201333477-C-A.
Other names: c.438G>T, p.Glu146Asp (NM_000364.4); c.408G>T, p.Glu136Asp (NM_001001430.3, NM_001001431.3, NM_001276347.2); c.393G>T, p.Glu131Asp (NM_001001432.3); c.318G>T, p.Glu106Asp (NM_001276346.2); short protein forms E136D, E146D, E131D, E106D.
Identifiers: ClinVar variation 404396 (VCV000404396.7), dbSNP rs141754300, ClinGen allele CA089006.